The following is an entry in ClinVar:

ClinVar aggregate classification (germline): Uncertain significance. Review status: criteria provided, multiple submitters, no conflicts (2 of 4 stars). 2 submissions from 2 submitters: Uncertain significance (2). Last evaluated 2025-04-09.

Conditions:
Cardiovascular phenotype. Identifiers: MedGen CN230736.

Allele frequency attached by ClinVar (database versions not stated): gnomAD exomes below 0.00001; TOPMed below 0.00001; gnomAD 0.00001.
gnomAD v4.1: 4 of 1,613,642 alleles (0.00025%); highest among the groups gnomAD compares: Non-Finnish European, 0.00025%; no homozygotes.

Submissions (2):

Molecular Diagnostic Laboratory for Inherited Cardiovascular Disease, Montreal Heart Institute
Classification: Uncertain significance for Cardiovascular phenotype. Last evaluated: 2025-04-09. Review status: criteria provided, single submitter. Criteria: ACMG Guidelines, 2015. Collection method: clinical testing. Allele origin: germline. Affected: yes.

Ambry Genetics
Classification: Uncertain significance for Cardiovascular phenotype. Last evaluated: 2023-12-07. Review status: criteria provided, single submitter. Criteria: Ambry Variant Classification Scheme 2023. Collection method: clinical testing. Allele origin: germline.
Comment: The p.A1174T variant (also known as c.3520G>A), located in coding exon 21 of the FLNC gene, results from a G to A substitution at nucleotide position 3520. The alanine at codon 1174 is replaced by threonine, an amino acid with similar properties. This amino acid position is conserved. In addition, the in silico prediction for this alteration is inconclusive. Since supporting evidence is limited at this time, the clinical significance of this alteration remains unclear.

NM_001458.5(FLNC):c.3520G>A (p.Ala1174Thr)

Gene: FLNC (filamin C; plus strand). Cytogenetic location: 7q32.1.
Variant type: single nucleotide variant.
Coding change: c.3520G>A on transcript NM_001458.5 (MANE Select); coding-DNA position 3520, G replaced by A.
Protein change: p.Ala1174Thr; replaces alanine 1174 with threonine.
Molecular consequence: missense variant.
Genome position (GRCh38, 1-based): chr7:128,844,985, G>A. VCF-style: chr7-128844985-G-A. GRCh37 (hg19) VCF-style: chr7-128485039-G-A.
Other names: c.3520G>A, p.Ala1174Thr (NM_001127487.2); short protein forms A1174T.
Identifiers: ClinVar variation 3221724 (VCV003221724.2), dbSNP rs1407725736, ClinGen allele CA369197150.